The following is an entry in ClinVar:

ClinVar aggregate classification (germline): Pathogenic (1 of 4 stars; one submission).

Conditions:
Fabry disease. Also called: ALPHA-GALACTOSIDASE A DEFICIENCY; ANDERSON-FABRY DISEASE; CERAMIDE TRIHEXOSIDASE DEFICIENCY; GLA DEFICIENCY; HEREDITARY DYSTOPIC LIPIDOSIS; Angiokeratoma corporis diffusum. Identifiers: Orphanet 324, MedGen C0002986, MONDO:0010526, OMIM 301500, HP:0001071. Disease mechanism: Fabry disease is due to inactivating mutations in the X-linked GLA gene resulting in deficiency of the enzyme Alpha Galactosidase-A., loss of function.

Submission:

Genomenon, Inc
Classification: Pathogenic for Fabry disease. Last evaluated: 2026-09-08. Review status: criteria provided, single submitter. Criteria: Genomenon Sequence Variant Interpretation Standards - Updated. Collection method: curation. Allele origin: germline. Affected: yes.
Comment: GLA p.Cys382TyrfsTer15 (c.1145_1149del) is a frameshift variant that is predicted to introduce a premature termination codon and result in a truncated or absent protein product. This variant has been observed in at least one proband with clinical features consistent with Fabry disease (PMID:25974833). Functional or patient cell studies have been reported (PMID:25974833). It is absent or not present at a significant frequency in gnomAD. In conclusion, we classify GLA p.Cys382TyrfsTer15 (c.1145_1149del) as a pathogenic variant.

Literature cited by the submitters: PubMed 25974833.

NM_000169.3(GLA):c.1145_1149del (p.Cys382fs)

Genes: GLA (galactosidase alpha; minus strand), RPL36A-HNRNPH2 (RPL36A-HNRNPH2 readthrough; plus strand). Cytogenetic location: Xq22.1.
Variant type: Deletion.
Coding change: c.1145_1149del on transcript NM_000169.3 (MANE Select); coding-DNA positions 1145 to 1149, 5 bases deleted (GCTTC; older notation c.1145_1149delGCTTC).
Protein change: p.Cys382fs; shifts the reading frame from cysteine 382.
Molecular consequence: frameshift variant. On other transcripts: non-coding transcript variant (3), intron variant (2).
Genome position (GRCh38, 1-based): chrX:101,397,950-101,397,954, GAAGC deleted on the plus strand (GCTTC on the coding strand, the reverse complement: GLA is on the minus strand). VCF-style (leftmost placement, unchanged base first): chrX-101397949-TGAAGC-T. GRCh37 (hg19) VCF-style: chrX-100652937-TGAAGC-T.
Other names: c.1268_1272del, p.Cys423fs (NM_001406747.1); c.300+2493_300+2497del (NM_001199973.2); c.177+6128_177+6132del (NM_001199974.2); short protein forms C382fs, C423fs.
Identifiers: ClinVar variation 4087067 (VCV004087067.2).